The following continues an entry in ClinVar:

NM_024675.4(PALB2):c.3495G>A (p.Ser1165=)

Gene: PALB2. ClinVar aggregate classification (germline): Benign/Likely benign. Benign (10); Likely benign (9).

Submissions 23 to 28 of 28:

Clinical Genetics Laboratory, Department of Pathology, Netherlands Cancer Institute
Classification: Likely benign. Review status: no assertion criteria provided. Collection method: clinical testing. Allele origin: germline. Affected: yes. Study: VKGL Data-share Consensus. Not counted in ClinVar's aggregate classification.

Department of Pathology and Laboratory Medicine, Sinai Health System
Classification: Likely benign for Malignant tumor of breast. Review status: no assertion criteria provided. Collection method: clinical testing. Allele origin: unknown. Affected: yes. Study: The Canadian Open Genetics Repository (COGR). Not counted in ClinVar's aggregate classification.
Comment: The PALB2 p.Ser1165Ser variant was identified in 19 of 8732 proband chromosomes (frequency: 0.002) from individuals or families with breast or pancreatic cancer and was present in 11 of 4896 control chromosomes (frequency: 0.002) from healthy individuals (Papi_2010_19763884, Ding_2011_20927582, Bogdanova_2011_21165770, Hellebrand_2011_21618343, Nguyen-Dumont_2013_24206657, Thompson_2015_26283626, Aoude_2014_24949998, Zhen_2015_25356972). The variant was also identified in dbSNP (ID: rs45439097) as â€šÃ„ÃºWith other alleleâ€šÃ„Ã¹, ClinVar (2x as benign by GeneDx, Invitae, 5x as likely benign by Ambry Genetics, Prevention Genetics, Illumina Clinical services, Quest Diagnostics, PALB2 database), Clinvitae (4x, as benign and likely benign by ClinVar), LOVD 3.0 (6x reported) and Zhejiang Colon Cancer Database (1x. The variant was not identified in Cosmic, MutDB, databases. The variant was identified in control databases in 192 of 277176 chromosomes at a frequency of 0.0007 increasing the likelihood this could be a low frequency benign variant (Genome Aggregation Database Feb 27, 2017). Breakdown of the observations by population include African in 29 of 24016 chromosomes (freq: 0.0012), other in 3 of 6464 chromosomes (freq: 0.0005), Latino in 11 of 34420 chromosomes (freq: 0.0003), European Non-Finnish in 149 of 126698 chromosomes (freq: 0.0012), while the variant was not observed in the Ashkenazi Jewish, East Asian, European Finnish, and South Asian populations. The p.Ser1165Ser variant is not expected to have clinical significance because it does not result in a change of amino acid and is not located in a known consensus splice site. In summary, based on the above information the clinical significance of this variant cannot be determined with certainty at this time although we would lean towards a more benign role for this variant. This variant is classified as likely benign.

Department of Pathology and Laboratory Medicine, Sinai Health System
Classification: Likely benign for Fanconi anemia complementation group N. Review status: no assertion criteria provided. Collection method: clinical testing. Allele origin: unknown. Affected: yes. Study: The Canadian Open Genetics Repository (COGR). Not counted in ClinVar's aggregate classification.
Comment: the same text as in the submission from Department of Pathology and Laboratory Medicine, Sinai Health System above.

Genome Diagnostics Laboratory, Amsterdam University Medical Center
Classification: Likely benign. Review status: no assertion criteria provided. Collection method: clinical testing. Allele origin: germline. Affected: yes. Study: VKGL Data-share Consensus. Not counted in ClinVar's aggregate classification.

Genome Diagnostics Laboratory, University Medical Center Utrecht
Classification: Likely benign. Review status: no assertion criteria provided. Collection method: clinical testing. Allele origin: germline. Affected: yes. Study: VKGL Data-share Consensus. Not counted in ClinVar's aggregate classification.

Joint Genome Diagnostic Labs from Nijmegen and Maastricht, Radboudumc and MUMC+
Classification: Likely benign. Review status: no assertion criteria provided. Collection method: clinical testing. Allele origin: germline. Affected: yes. Study: VKGL Data-share Consensus. Not counted in ClinVar's aggregate classification.

Literature cited by the submitters: PubMed 24206657 (cited by 3 submitters); PubMed 26283626 (cited by Quest Diagnostics Nichols Institute San Juan Capistrano and Sema4); PubMed 25447460 (cited by Quest Diagnostics Nichols Institute San Juan Capistrano and Sema4); PubMed 21618343 (cited by Quest Diagnostics Nichols Institute San Juan Capistrano and Sema4); PubMed 21165770 (cited by 3 submitters); PubMed 20927582 (cited by 3 submitters); PubMed 35806449 (cited by Department of Molecular Diagnostics, Institute of Oncology Ljubljana); PubMed 19763884 (cited by 3 submitters); PubMed 24949998 (cited by Sema4 and Leiden Open Variation Database); PubMed 25356972 (cited by 3 submitters); PubMed 28873162 (cited by Sema4).